The following is an entry in ClinVar:

NM_000061.3(BTK):c.1773C>A (p.Tyr591Ter)

Gene: BTK (Bruton tyrosine kinase; minus strand). Cytogenetic location: Xq22.1.
Variant type: single nucleotide variant.
Coding change: c.1773C>A on transcript NM_000061.3 (MANE Select); coding-DNA position 1773, C replaced by A.
Protein change: p.Tyr591Ter; replaces tyrosine 591 with a stop codon.
Molecular consequence: nonsense.
Genome position (GRCh38, 1-based): chrX:101,353,329, G>T on the plus strand (C>A on the coding strand, the complement: BTK is on the minus strand). VCF-style: chrX-101353329-G-T. GRCh37 (hg19) VCF-style: chrX-100608317-G-T.
Other names: c.1875C>A, p.Tyr625Ter (NM_001287344.2); c.1245C>A, p.Tyr415Ter (NM_001287345.2); short protein forms Y591*, Y625*, Y415*.
Identifiers: ClinVar variation 11386 (VCV000011386.4), dbSNP rs128621207, ClinGen allele CA255839.

ClinVar aggregate classification (germline): Pathogenic/Likely pathogenic. Review status: criteria provided, multiple submitters, no conflicts (2 of 4 stars). 3 submissions from 3 submitters: Pathogenic (1); Likely pathogenic (1). 1 of the submissions does not count toward it. Last evaluated 2025-04-08.

Conditions:
X-linked agammaglobulinemia with growth hormone deficiency (IGHD3). Also called: ISOLATED GROWTH HORMONE DEFICIENCY, TYPE III, WITH AGAMMAGLOBULINEMIA; AGAMMAGLOBULINEMIA AND ISOLATED GROWTH HORMONE DEFICIENCY, X-LINKED; FLEISHER SYNDROME; HYPOGAMMAGLOBULINEMIA AND ISOLATED GROWTH HORMONE DEFICIENCY, X-LINKED; IGHD III; Isolated growth hormone deficiency type 3. Identifiers: Orphanet 231692, Orphanet 631, MedGen C0472813, MONDO:0010615, OMIM 307200.
X-linked agammaglobulinemia (XLA). Also called: Agammaglobulinemia, Bruton tyrosine kinase; Agammaglobulinemia, BTK; BTK-deficiency; IMMUNODEFICIENCY 1; Bruton's agammaglobulinemia; AGAMMAGLOBULINEMIA, X-LINKED, TYPE 1. Identifiers: Orphanet 229717, Orphanet 47, MedGen C0221026, MONDO:0010421, OMIM 300755.

Submissions (3):

Labcorp Genetics (formerly Invitae), Labcorp
Classification: Pathogenic for X-linked agammaglobulinemia with growth hormone deficiency. Last evaluated: 2025-04-08. Review status: criteria provided, single submitter. Criteria: Invitae Variant Classification Sherloc (09022015). Collection method: clinical testing. Allele origin: germline.
Comment: This sequence change creates a premature translational stop signal (p.Tyr591*) in the BTK gene. It is expected to result in an absent or disrupted protein product. Loss-of-function variants in BTK are known to be pathogenic (PMID: 15661032, 16862044, 19419768). This variant is not present in population databases (gnomAD no frequency). This premature translational stop signal has been observed in individual(s) with X-linked recessive agammaglobulinemia (PMID: 7849697). ClinVar contains an entry for this variant (Variation ID: 11386). For these reasons, this variant has been classified as Pathogenic.

Women's Health and Genetics/Laboratory Corporation of America, LabCorp
Classification: Likely pathogenic for X-linked agammaglobulinemia. Last evaluated: 2017-06-16. Review status: criteria provided, single submitter. Criteria: LabCorp Variant Classification Summary - May 2015. Collection method: clinical testing. Allele origin: germline.
Comment: Variant summary: The c.1773C>A (p.Tyr591*) variant in BTK gene is a nonsense change that results in the loss of the 69 amino acids of NBN (~10%). This change is predicted to cause loss of normal protein function through protein truncation or nonsense-mediated mRNA decay. The variant is absent from control datasets of ExAC or gnomAD. The variant has been reported in at least 1 affected individual with agammaglobulinemia with <1% peripheral B cells and is cited as Pathogenic cited by a reputable database/clinical laboratory. Taking together, the variant was classified as Likely Pathogenic.

OMIM
Classification: Pathogenic for AGAMMAGLOBULINEMIA, X-LINKED. Last evaluated: 1994-10-01. Review status: no assertion criteria provided. Collection method: literature only. Allele origin: germline. Not counted in ClinVar's aggregate classification.

Literature cited by the submitters: PubMed 15661032 (cited by Labcorp Genetics (formerly Invitae), Labcorp); PubMed 16862044 (cited by Labcorp Genetics (formerly Invitae), Labcorp); PubMed 19419768 (cited by Labcorp Genetics (formerly Invitae), Labcorp); PubMed 7849697 (cited by 3 submitters); PubMed 11102984 (cited by Women's Health and Genetics/Laboratory Corporation of America, LabCorp); PubMed 9545398 (cited by Women's Health and Genetics/Laboratory Corporation of America, LabCorp).